The following is an entry in ClinVar:

ClinVar aggregate classification (germline): Uncertain significance (1 of 4 stars; one submission).

gnomAD v4.1: 1 of 1,613,984 alleles (0.000062%); highest among the groups gnomAD compares: Non-Finnish European, 0.000085%; no homozygotes.

Submission:

Labcorp Genetics (formerly Invitae), Labcorp
Classification: Uncertain significance. Last evaluated: 2025-04-14. Review status: criteria provided, single submitter. Criteria: Invitae Variant Classification Sherloc (09022015). Collection method: clinical testing. Allele origin: germline.
Comment: This sequence change replaces proline, which is neutral and non-polar, with alanine, which is neutral and non-polar, at codon 306 of the IL23R protein (p.Pro306Ala). This variant is not present in population databases (gnomAD no frequency). This variant has not been reported in the literature in individuals affected with IL23R-related conditions. An algorithm developed to predict the effect of missense changes on protein structure and function outputs the following: PolyPhen-2: "Benign". The alanine amino acid residue is found in multiple mammalian species, which suggests that this missense change does not adversely affect protein function. In summary, the available evidence is currently insufficient to determine the role of this variant in disease. Therefore, it has been classified as a Variant of Uncertain Significance.

NM_144701.3(IL23R):c.916C>G (p.Pro306Ala)

Gene: IL23R (interleukin 23 receptor; plus strand). Cytogenetic location: 1p31.3.
Variant type: single nucleotide variant.
Coding change: c.916C>G on transcript NM_144701.3 (MANE Select); coding-DNA position 916, C replaced by G.
Protein change: p.Pro306Ala; replaces proline 306 with alanine.
Molecular consequence: missense variant.
Genome position (GRCh38, 1-based): chr1:67,219,691, C>G. VCF-style: chr1-67219691-C-G. GRCh37 (hg19) VCF-style: chr1-67685374-C-G.
Other names: short protein forms P306A.
Identifiers: ClinVar variation 4762950 (VCV004762950.1).
Genomic context (GRCh38, chr1:67,219,691, plus strand): 5'-CCAAACATTAAGTACGTATTTCAAGTGAGATGTCAAGAAACAGGCAAAAGGTACTGGCAG[C>G]CTTGGAGTTCACTGTTTTTTCATAAAACACCTGAAACAGGTGAGTGTACTTATATATTTT-3'
Protein context (NP_653302.2, residues 296-316): CQETGKRYWQ[Pro306Ala]WSSLFFHKTP